The following is an entry in ClinVar:

ClinVar aggregate classification (germline): Uncertain significance (1 of 4 stars; one submission).

Conditions:
Developmental and epileptic encephalopathy, 8 (DEE8). Also called: HYPEREKPLEXIA AND EPILEPSY. Identifiers: Orphanet 163985, Orphanet 2076, MedGen C1845102, MONDO:0010375, OMIM 300607.

gnomAD v4.1: 1 of 1,210,764 alleles (0.000083%); highest among the groups gnomAD compares: Non-Finnish European, 0.00011%; no homozygotes.

Submission:

Labcorp Genetics (formerly Invitae), Labcorp
Classification: Uncertain significance for Developmental and epileptic encephalopathy, 8. Last evaluated: 2024-09-04. Review status: criteria provided, single submitter. Criteria: Invitae Variant Classification Sherloc (09022015). Collection method: clinical testing. Allele origin: germline.
Comment: This sequence change replaces aspartic acid, which is acidic and polar, with glutamic acid, which is acidic and polar, at codon 375 of the ARHGEF9 protein (p.Asp375Glu). This variant is not present in population databases (gnomAD no frequency). This variant has not been reported in the literature in individuals affected with ARHGEF9-related conditions. Invitae Evidence Modeling of protein sequence and biophysical properties (such as structural, functional, and spatial information, amino acid conservation, physicochemical variation, residue mobility, and thermodynamic stability) has been performed for this missense variant. However, the output from this modeling did not meet the statistical confidence thresholds required to predict the impact of this variant on ARHGEF9 protein function. In summary, the available evidence is currently insufficient to determine the role of this variant in disease. Therefore, it has been classified as a Variant of Uncertain Significance.

NM_001353921.2(ARHGEF9):c.1146C>A (p.Asp382Glu)

Gene: ARHGEF9 (Cdc42 guanine nucleotide exchange factor 9; minus strand). Cytogenetic location: Xq11.1.
Variant type: single nucleotide variant.
Coding change: c.1146C>A on transcript NM_001353921.2 (MANE Select); coding-DNA position 1146, C replaced by A.
Protein change: p.Asp382Glu; replaces aspartic acid 382 with glutamic acid.
Molecular consequence: missense variant. On other transcripts: intron variant (2).
Genome position (GRCh38, 1-based): chrX:63,655,669, G>T on the plus strand (C>A on the coding strand, the complement: ARHGEF9 is on the minus strand). VCF-style: chrX-63655669-G-T. GRCh37 (hg19) VCF-style: chrX-62875549-G-T.
Other names: c.966C>A, p.Asp322Glu (NM_001173479.2); c.819C>A, p.Asp273Glu (NM_001173480.2, NM_001369042.1); c.1062C>A, p.Asp354Glu (NM_001330495.2, NM_001369033.1, NM_001369034.1 and 4 more transcripts); c.1014C>A, p.Asp338Glu (NM_001353922.2); c.1164C>A, p.Asp388Glu (NM_001353923.1); c.945C>A, p.Asp315Glu (NM_001353924.2, NM_001353926.2, NM_001369039.1 and 1 more transcripts); c.930C>A, p.Asp310Glu (NM_001353927.2, NM_001369041.1); c.993C>A, p.Asp331Glu (NM_001353928.2); and 3 more; short protein forms D310E, D322E, D354E, D375E, D388E, D273E, D331E, D338E.
Identifiers: ClinVar variation 3678199 (VCV003678199.2).